The following is an entry in ClinVar:

NM_205836.3(FBXO38):c.2057A>C (p.Lys686Thr)

Gene: FBXO38 (F-box protein 38; plus strand). Cytogenetic location: 5q32.
Variant type: single nucleotide variant.
Coding change: c.2057A>C on transcript NM_205836.3 (MANE Select); coding-DNA position 2057, A replaced by C.
Protein change: p.Lys686Thr; replaces lysine 686 with threonine.
Molecular consequence: missense variant. On other transcripts: intron variant (1).
Genome position (GRCh38, 1-based): chr5:148,427,351, A>C. VCF-style: chr5-148427351-A-C. GRCh37 (hg19) VCF-style: chr5-147806914-A-C.
Other names: c.2057A>C, p.Lys686Thr (NM_030793.5); c.1918+1650A>C (NM_001271723.2); short protein forms K686T.
Identifiers: ClinVar variation 2094473 (VCV002094473.4), dbSNP rs764109688, ClinGen allele CA3497438.

ClinVar aggregate classification (germline): Uncertain significance (1 of 4 stars; one submission).

Conditions:
Distal hereditary motor neuropathy type 2. Identifiers: Orphanet 139525, MedGen C3711384, MeSH C580044, MONDO:0015352.

Allele frequency attached by ClinVar (database versions not stated): gnomAD exomes below 0.00001; ExAC 0.00001.
gnomAD v4.1: 2 of 1,614,174 alleles (0.00012%); highest among the groups gnomAD compares: Non-Finnish European, 0.00017%; no homozygotes.

Submission:

Labcorp Genetics (formerly Invitae), Labcorp
Classification: Uncertain significance for Distal hereditary motor neuropathy type 2. Last evaluated: 2022-02-07. Review status: criteria provided, single submitter. Criteria: Invitae Variant Classification Sherloc (09022015). Collection method: clinical testing. Allele origin: germline.
Comment: This sequence change replaces lysine, which is basic and polar, with threonine, which is neutral and polar, at codon 686 of the FBXO38 protein (p.Lys686Thr). This variant is present in population databases (rs764109688, gnomAD 0.002%). This variant has not been reported in the literature in individuals affected with FBXO38-related conditions. Algorithms developed to predict the effect of missense changes on protein structure and function are either unavailable or do not agree on the potential impact of this missense change (SIFT: "Deleterious"; PolyPhen-2: "Probably Damaging"; Align-GVGD: "Class C0"). In summary, the available evidence is currently insufficient to determine the role of this variant in disease. Therefore, it has been classified as a Variant of Uncertain Significance.